The following is an entry in ClinVar:

NM_006389.5(HYOU1):c.2329G>A (p.Ala777Thr)

Gene: HYOU1 (hypoxia up-regulated 1; minus strand). Cytogenetic location: 11q23.3.
Variant type: single nucleotide variant.
Coding change: c.2329G>A on transcript NM_006389.5 (MANE Select); coding-DNA position 2329, G replaced by A.
Protein change: p.Ala777Thr; replaces alanine 777 with threonine.
Molecular consequence: missense variant.
Genome position (GRCh38, 1-based): chr11:119,048,295, C>T on the plus strand (G>A on the coding strand, the complement: HYOU1 is on the minus strand). VCF-style: chr11-119048295-C-T. GRCh37 (hg19) VCF-style: chr11-118919007-C-T.
Other names: c.2329G>A, p.Ala777Thr (NM_001130991.3, NM_001411041.1); short protein forms A777T.
Identifiers: ClinVar variation 2396443 (VCV002396443.5), dbSNP rs113886063, ClinGen allele CA229618577.

ClinVar aggregate classification (germline): Uncertain significance. Review status: criteria provided, multiple submitters, no conflicts (2 of 4 stars). 2 submissions from 2 submitters: Uncertain significance (2). Last evaluated 2025-04-24.

Allele frequency attached by ClinVar (database versions not stated): TOPMed 0.00003; gnomAD exomes 0.00006; gnomAD 0.00003.
gnomAD v4.1: 90 of 1,611,182 alleles (0.0056%); highest among the groups gnomAD compares: Non-Finnish European, 0.0071%; no homozygotes.

Submissions (2):

Labcorp Genetics (formerly Invitae), Labcorp
Classification: Uncertain significance. Last evaluated: 2025-04-24. Review status: criteria provided, single submitter. Criteria: Invitae Variant Classification Sherloc (09022015). Collection method: clinical testing. Allele origin: germline.
Comment: This sequence change replaces alanine, which is neutral and non-polar, with threonine, which is neutral and polar, at codon 777 of the HYOU1 protein (p.Ala777Thr). This variant is present in population databases (rs113886063, gnomAD 0.007%). This variant has not been reported in the literature in individuals affected with HYOU1-related conditions. ClinVar contains an entry for this variant (Variation ID: 2396443). An algorithm developed to predict the effect of missense changes on protein structure and function outputs the following: PolyPhen-2: "Not Available". The threonine amino acid residue is found in multiple mammalian species, which suggests that this missense change does not adversely affect protein function. In summary, the available evidence is currently insufficient to determine the role of this variant in disease. Therefore, it has been classified as a Variant of Uncertain Significance.

Ambry Genetics
Classification: Uncertain significance. Last evaluated: 2022-12-05. Review status: criteria provided, single submitter. Criteria: Ambry Variant Classification Scheme 2023. Collection method: clinical testing. Allele origin: germline.